The following is an entry in ClinVar:

ClinVar aggregate classification (germline): Uncertain significance. Review status: criteria provided, multiple submitters, no conflicts (2 of 4 stars). 3 submissions from 3 submitters: Uncertain significance (3). Last evaluated 2025-08-29.

Conditions:
Inborn genetic diseases. Identifiers: MedGen C0950123, MeSH D030342.

Allele frequency attached by ClinVar (database versions not stated): gnomAD exomes 0.00001 and 0.00005; ExAC 0.00002; gnomAD 0.00002 and 0.00003; TOPMed 0.00002; ESP Exome Variant Server 0.00008.
gnomAD v4.1: 72 of 1,613,346 alleles (0.0045%); highest among the groups gnomAD compares: Non-Finnish European, 0.0057%; no homozygotes.

Submissions (3):

Ambry Genetics
Classification: Uncertain significance for Inborn genetic diseases. Last evaluated: 2025-08-29. Review status: criteria provided, single submitter. Criteria: Ambry Variant Classification Scheme 2023. Collection method: clinical testing. Allele origin: germline.

Blueprint Genetics
Classification: Uncertain significance. Last evaluated: 2022-09-15. Review status: criteria provided, single submitter. Criteria: ACMG Guidelines, 2015. Collection method: clinical testing. Allele origin: germline.

Labcorp Genetics (formerly Invitae), Labcorp
Classification: Uncertain significance. Last evaluated: 2022-08-16. Review status: criteria provided, single submitter. Criteria: Invitae Variant Classification Sherloc (09022015). Collection method: clinical testing. Allele origin: germline.
Comment: This sequence change replaces lysine, which is basic and polar, with arginine, which is basic and polar, at codon 579 of the PDE6A protein (p.Lys579Arg). This variant is present in population databases (rs368690470, gnomAD 0.004%). This variant has not been reported in the literature in individuals affected with PDE6A-related conditions. ClinVar contains an entry for this variant (Variation ID: 1489736). Algorithms developed to predict the effect of missense changes on protein structure and function (SIFT, PolyPhen-2, Align-GVGD) all suggest that this variant is likely to be tolerated. In summary, the available evidence is currently insufficient to determine the role of this variant in disease. Therefore, it has been classified as a Variant of Uncertain Significance.

NM_000440.3(PDE6A):c.1736A>G (p.Lys579Arg)

Gene: PDE6A (phosphodiesterase 6A; minus strand). Cytogenetic location: 5q32.
Variant type: single nucleotide variant.
Coding change: c.1736A>G on transcript NM_000440.3 (MANE Select); coding-DNA position 1736, A replaced by G.
Protein change: p.Lys579Arg; replaces lysine 579 with arginine.
Molecular consequence: missense variant.
Genome position (GRCh38, 1-based): chr5:149,886,367, T>C on the plus strand (A>G on the coding strand, the complement: PDE6A is on the minus strand). VCF-style: chr5-149886367-T-C. GRCh37 (hg19) VCF-style: chr5-149265930-T-C.
Other names: c.1736A>G (NM_000440.2); short protein forms K579R.
Identifiers: ClinVar variation 1489736 (VCV001489736.7), dbSNP rs368690470, ClinGen allele CA3504552.